The following is an entry in ClinVar:

NM_000169.3(GLA):c.820G>C (p.Gly274Arg)

Genes: GLA (galactosidase alpha; minus strand), RPL36A-HNRNPH2 (RPL36A-HNRNPH2 readthrough; plus strand). Cytogenetic location: Xq22.1.
Variant type: single nucleotide variant.
Coding change: c.820G>C on transcript NM_000169.3 (MANE Select); coding-DNA position 820, G replaced by C.
Protein change: p.Gly274Arg; replaces glycine 274 with arginine.
Molecular consequence: missense variant. On other transcripts: non-coding transcript variant (3), intron variant (2).
Genome position (GRCh38, 1-based): chrX:101,398,549, C>G on the plus strand (G>C on the coding strand, the complement: GLA is on the minus strand). VCF-style: chrX-101398549-C-G. GRCh37 (hg19) VCF-style: chrX-100653537-C-G.
Other names: c.943G>C, p.Gly315Arg (NM_001406747.1); c.820G>C, p.Gly274Arg (NM_001406748.1); c.300+3092C>G (NM_001199973.2); c.177+6727C>G (NM_001199974.2); short protein forms G274R, G315R.
Identifiers: ClinVar variation 1059459 (VCV001059459.14), dbSNP rs2147472458, ClinGen allele CA413923309.

ClinVar aggregate classification (germline): Conflicting classifications of pathogenicity. Review status: criteria provided, conflicting classifications (1 of 4 stars). 3 submissions from 3 submitters: Likely pathogenic (2); Uncertain significance (1). Last evaluated 2026-09-08.

Conditions:
Fabry disease. Also called: Fabry's disease; Angiokeratoma corporis diffusum; GLA DEFICIENCY; HEREDITARY DYSTOPIC LIPIDOSIS; ALPHA-GALACTOSIDASE A DEFICIENCY; ANDERSON-FABRY DISEASE. Identifiers: Orphanet 324, MedGen C0002986, MONDO:0010526, OMIM 301500, HP:0001071. Disease mechanism: loss of function, Fabry disease is due to inactivating mutations in the X-linked GLA gene resulting in deficiency of the enzyme Alpha Galactosidase-A..

Submissions (3):

Genomenon, Inc
Classification: Likely pathogenic for Fabry disease. Last evaluated: 2026-09-08. Review status: criteria provided, single submitter. Criteria: Genomenon Sequence Variant Interpretation Standards - Updated. Collection method: curation. Allele origin: germline. Affected: yes.
Comment: GLA p.Gly274Arg (c.820G>C) is a missense variant that changes the amino acid at codon 274 from Glycine to Arginine. This variant has been observed in at least one proband with clinical features consistent with Fabry disease (PMID:33040545;28723748). The presence of pathogenic/likely pathogenic missense variant(s) at the same amino acid position indicates that this residue is likely important for protein function. It is absent or not present at a significant frequency in gnomAD. In silico models predict that this variant is possibly or probably damaging. In conclusion, we classify GLA p.Gly274Arg (c.820G>C) as a likely pathogenic variant.

Labcorp Genetics (formerly Invitae), Labcorp
Classification: Likely pathogenic for Fabry disease. Last evaluated: 2022-05-27. Review status: criteria provided, single submitter. Criteria: Invitae Variant Classification Sherloc (09022015). Collection method: clinical testing. Allele origin: germline.
Comment: In summary, the currently available evidence indicates that the variant is pathogenic, but additional data are needed to prove that conclusively. Therefore, this variant has been classified as Likely Pathogenic. This variant disrupts the p.Gly274 amino acid residue in GLA. Other variant(s) that disrupt this residue have been observed in individuals with GLA-related conditions (PMID: 18057066), which suggests that this may be a clinically significant amino acid residue. This sequence change replaces glycine, which is neutral and non-polar, with arginine, which is basic and polar, at codon 274 of the GLA protein (p.Gly274Arg). This variant is not present in population databases (gnomAD no frequency). This missense change has been observed in individuals with Fabry disease (PMID: 28723748, 33040545; Invitae). ClinVar contains an entry for this variant (Variation ID: 1059459). Algorithms developed to predict the effect of missense changes on protein structure and function (SIFT, PolyPhen-2, Align-GVGD) all suggest that this variant is likely to be disruptive.

Revvity Omics, Revvity
Classification: Uncertain significance. Last evaluated: 2019-03-26. Review status: criteria provided, single submitter. Criteria: ACMG Guidelines, 2015. Collection method: clinical testing. Allele origin: germline.

Literature cited by the submitters: PubMed 33040545 (cited by Genomenon, Inc and Labcorp Genetics (formerly Invitae), Labcorp); PubMed 28723748 (cited by Genomenon, Inc and Labcorp Genetics (formerly Invitae), Labcorp); PubMed 18057066 (cited by Labcorp Genetics (formerly Invitae), Labcorp).